The following is an entry in ClinVar:

NM_000030.3(AGXT):c.175G>A (p.Glu59Lys)

Gene: AGXT (alanine--glyoxylate aminotransferase; plus strand). Cytogenetic location: 2q37.3.
Variant type: single nucleotide variant.
Coding change: c.175G>A on transcript NM_000030.3 (MANE Select); coding-DNA position 175, G replaced by A.
Protein change: p.Glu59Lys; replaces glutamic acid 59 with lysine.
Molecular consequence: missense variant.
Genome position (GRCh38, 1-based): chr2:240,869,179, G>A. VCF-style: chr2-240869179-G-A. GRCh37 (hg19) VCF-style: chr2-241808596-G-A.
Other names: short protein forms E59K.
Identifiers: ClinVar variation 204078 (VCV000204078.2), dbSNP rs767586362, ClinGen allele CA275640.

ClinVar aggregate classification (germline): Uncertain significance. Review status: criteria provided, single submitter (1 of 4 stars). 2 submissions from 2 submitters: Uncertain significance (1). 1 of the submissions does not count toward it. Last evaluated 2025-06-13.

Conditions:
Primary hyperoxaluria, type I (HP1). Also called: GLYCOLIC ACIDURIA; HEPATIC AGT DEFICIENCY; OXALOSIS I; Primary hyperoxaluria type 1. Identifiers: Orphanet 416, Orphanet 93598, MedGen C0268164, MONDO:0009823, OMIM 259900. Disease mechanism: loss of function.

Allele frequency attached by ClinVar (database versions not stated): TOPMed below 0.00001; ExAC 0.00001; gnomAD exomes 0.00001; gnomAD 0.00001.

Submissions (2):

Women's Health and Genetics/Laboratory Corporation of America, LabCorp
Classification: Uncertain significance. Last evaluated: 2025-06-13. Review status: criteria provided, single submitter. Criteria: LabCorp Variant Classification Summary - May 2015. Collection method: clinical testing. Allele origin: germline.
Comment: Variant summary: AGXT c.175G>A (p.Glu59Lys) results in a conservative amino acid change in the encoded protein sequence. Algorithms developed to predict the effect of missense changes on protein structure and function are either unavailable or do not agree on the potential impact of this missense change. The variant allele was found at a frequency of 1.2e-05 in 251286 control chromosomes. The available data on variant occurrences in the general population are insufficient to allow any conclusion about variant significance. c.175G>A has been observed in individual(s) affected with Primary Hyperoxaluria Type 1 (Metry_2023). These report(s) do not provide unequivocal conclusions about association of the variant with Primary Hyperoxaluria Type 1. To our knowledge, no experimental evidence demonstrating an impact on protein function has been reported. The following publication has been ascertained in the context of this evaluation (PMID: 37849991). ClinVar contains an entry for this variant (Variation ID: 204078). Based on the evidence outlined above, the variant was classified as uncertain significance.

Clinical Biochemistry Laboratory, Health Services Laboratory
Classification: Pathogenic for Primary hyperoxaluria, type I. Last evaluated: 2014-11-27. Review status: no assertion criteria provided. Collection method: research. Allele origin: germline. Affected: yes. Not counted in ClinVar's aggregate classification.

Literature cited by the submitters: PubMed 37849991 (cited by Women's Health and Genetics/Laboratory Corporation of America, LabCorp).